The following is an entry in ClinVar:

NM_001256789.3(CACNA1F):c.5402_5403delinsAA (p.Gly1801Glu)

Gene: CACNA1F (calcium voltage-gated channel subunit alpha1 F; minus strand). Cytogenetic location: Xp11.23.
Variant type: Indel.
Coding change: c.5402_5403delinsAA on transcript NM_001256789.3 (MANE Select); coding-DNA positions 5402 to 5403, GC replaced by AA.
Protein change: p.Gly1801Glu; replaces glycine 1801 with glutamic acid.
Molecular consequence: missense variant.
Genome position (GRCh38, 1-based): chrX:49,206,580-49,206,581, GC replaced by TT on the plus strand (GC replaced by AA on the coding strand, the reverse complement: CACNA1F is on the minus strand). VCF-style: chrX-49206580-GC-TT. GRCh37 (hg19) VCF-style: chrX-49063041-GC-TT.
Other names: c.5240_5241delinsAA, p.Gly1747Glu (NM_001256790.3); c.5435_5436delinsAA, p.Gly1812Glu (NM_005183.4); short protein forms G1747E, G1801E, G1812E.
Identifiers: ClinVar variation 1957039 (VCV001957039.5), dbSNP rs2520689756, ClinGen allele CA2580101118.

ClinVar aggregate classification (germline): Uncertain significance (1 of 4 stars; one submission).

Submission:

Labcorp Genetics (formerly Invitae), Labcorp
Classification: Uncertain significance. Last evaluated: 2025-04-18. Review status: criteria provided, single submitter. Criteria: Invitae Variant Classification Sherloc (09022015). Collection method: clinical testing. Allele origin: germline.
Comment: This sequence change replaces glycine, which is neutral and non-polar, with glutamic acid, which is acidic and polar, at codon 1812 of the CACNA1F protein (p.Gly1812Glu). Information on the frequency of this variant in the gnomAD database is not available, as this variant may be reported differently in the database. This variant has not been reported in the literature in individuals affected with CACNA1F-related conditions. ClinVar contains an entry for this variant (Variation ID: 1957039). An algorithm developed to predict the effect of missense changes on protein structure and function (PolyPhen-2) suggests that this variant is likely to be tolerated. In summary, the available evidence is currently insufficient to determine the role of this variant in disease. Therefore, it has been classified as a Variant of Uncertain Significance.